The following is an entry in ClinVar:

NM_001395656.1(ROBO2):c.2578G>C (p.Val860Leu)

Gene: ROBO2 (roundabout guidance receptor 2; plus strand). Cytogenetic location: 3p12.3.
Variant type: single nucleotide variant.
Coding change: c.2578G>C on transcript NM_001395656.1 (MANE Select); coding-DNA position 2578, G replaced by C.
Protein change: p.Val860Leu; replaces valine 860 with leucine.
Molecular consequence: missense variant.
Genome position (GRCh38, 1-based): chr3:77,588,816, G>C. VCF-style: chr3-77588816-G-C. GRCh37 (hg19) VCF-style: chr3-77637967-G-C.
Other names: c.2614G>C, p.Val872Leu (NM_001128929.3); c.2578G>C, p.Val860Leu (NM_001290039.2, NM_001290040.2, NM_001378202.1); c.787G>C, p.Val263Leu (NM_001290065.2); c.2626G>C, p.Val876Leu (NM_001378190.1, NM_001378191.1, NM_001378195.1 and 4 more transcripts); c.2647G>C, p.Val883Leu (NM_001378192.1, NM_001378194.1, NM_001378198.1 and 2 more transcripts); c.2566G>C, p.Val856Leu (NM_001378193.1, NM_001378197.1, NM_002942.5); c.2635G>C, p.Val879Leu (NM_001394212.1, NM_001394214.1, NM_001395657.1); c.2566G>C (NM_002942.4); short protein forms V263L, V856L, V860L, V872L, V876L, V883L, V879L.
Identifiers: ClinVar variation 1050325 (VCV001050325.8), dbSNP rs201250546, ClinGen allele CA2497369.
Genomic context (GRCh38, chr3:77,588,816, plus strand): 5'-CGCAATGAAGTTGTCATTACTGAAAACAATAACAGCATAACTGAGCAAATCACTGATGTG[G>C]TGAAGCAACCAGCCTTTATAGCTGGTATTGGTGGTGCCTGCTGGGTAATTCTGATGGGTT-3'
Protein context (NP_001382585.1, residues 850-870): NSITEQITDV[Val860Leu]KQPAFIAGIG

ClinVar aggregate classification (germline): Uncertain significance. Review status: criteria provided, multiple submitters, no conflicts (2 of 4 stars). 3 submissions from 3 submitters: Uncertain significance (2). 1 of the submissions does not count toward it. Last evaluated 2025-08-26.

Conditions:
Inborn genetic diseases. Identifiers: MedGen C0950123, MeSH D030342.
Vesicoureteral reflux 2 (VUR2). Identifiers: Orphanet 289365, MedGen C1970483, MONDO:0012573, OMIM 610878.

Allele frequency attached by ClinVar (database versions not stated): TOPMed 0.00002; gnomAD exomes 0.00003 and 0.00005; ExAC 0.00006; ESP Exome Variant Server 0.00008; gnomAD 0.00001.
gnomAD v4.1: 48 of 1,613,490 alleles (0.003%); highest among the groups gnomAD compares: Non-Finnish European, 0.0038%; no homozygotes.

Submissions (3):

Ambry Genetics
Classification: Uncertain significance for Inborn genetic diseases. Last evaluated: 2025-08-26. Review status: criteria provided, single submitter. Criteria: Ambry Variant Classification Scheme 2023. Collection method: clinical testing. Allele origin: germline.

Fulgent Genetics
Classification: Uncertain significance for Vesicoureteral reflux 2. Last evaluated: 2024-03-08. Review status: criteria provided, single submitter. Criteria: ACMG Guidelines, 2015. Collection method: clinical testing. Allele origin: germline.

Department of Pathology and Laboratory Medicine, Sinai Health System
Classification: Uncertain significance. Review status: no assertion criteria provided. Collection method: clinical testing. Allele origin: unknown. Affected: yes. Study: The Canadian Open Genetics Repository (COGR). Not counted in ClinVar's aggregate classification.
Comment: The ROBO2 p.Val860Leu variant was not identified in the literature nor was it identified in ClinVar, Cosmic or LOVD 3.0. The variant was identified in dbSNP (ID: rs201250546) and in control databases in 13 of 249074 chromosomes at a frequency of 0.000052 (Genome Aggregation Database Feb 27, 2017). The variant was observed in the following populations: Other in 1 of 6044 chromosomes (freq: 0.000166) and European (non-Finnish) in 12 of 112930 chromosomes (freq: 0.000106); it was not observed in the African, Latino, Ashkenazi Jewish, East Asian, European (Finnish) and South Asian populations. The variant occurs outside of the splicing consensus sequence and in silico or computational prediction software programs (SpliceSiteFinder, MaxEntScan, NNSPLICE, GeneSplicer) do not predict a difference in splicing. The p.Val860 residue is conserved in mammals but not in distantly related organisms and computational analyses (SIFT, AlignGVGD, BLOSUM, MutationTaster, PolyPhen-2) provide inconsistent predictions regarding the impact to the protein; this information is not very predictive of pathogenicity. In summary, based on the above information the clinical significance of this variant cannot be determined with certainty at this time. This variant is classified as a variant of uncertain significance.